The following is an entry in ClinVar:

ClinVar aggregate classification (germline): Uncertain significance. Review status: criteria provided, multiple submitters, no conflicts (2 of 4 stars). 2 submissions from 2 submitters: Uncertain significance (2). Last evaluated 2025-12-08.

Allele frequency attached by ClinVar (database versions not stated): TOPMed below 0.00001; ExAC 0.00001; gnomAD 0.00003; 1000 Genomes Project 30x 0.00016; 1000 Genomes Project 0.00020.
gnomAD v4.1: 17 of 1,614,104 alleles (0.0011%); highest among the groups gnomAD compares: East Asian, 0.011%; no homozygotes.

Submissions (2):

Ambry Genetics
Classification: Uncertain significance. Last evaluated: 2025-12-08. Review status: criteria provided, single submitter. Criteria: Ambry Variant Classification Scheme 2023. Collection method: clinical testing. Allele origin: germline.

Labcorp Genetics (formerly Invitae), Labcorp
Classification: Uncertain significance. Last evaluated: 2024-02-23. Review status: criteria provided, single submitter. Criteria: Invitae Variant Classification Sherloc (09022015). Collection method: clinical testing. Allele origin: germline.
Comment: This sequence change replaces proline, which is neutral and non-polar, with leucine, which is neutral and non-polar, at codon 2337 of the IGSF10 protein (p.Pro2337Leu). This variant is present in population databases (rs183577798, gnomAD 0.02%). This variant has not been reported in the literature in individuals affected with IGSF10-related conditions. An algorithm developed to predict the effect of missense changes on protein structure and function (PolyPhen-2) suggests that this variant is likely to be disruptive. In summary, the available evidence is currently insufficient to determine the role of this variant in disease. Therefore, it has been classified as a Variant of Uncertain Significance.

NM_178822.5(IGSF10):c.7010C>T (p.Pro2337Leu)

Gene: IGSF10 (immunoglobulin superfamily member 10; minus strand). Cytogenetic location: 3q25.1.
Variant type: single nucleotide variant.
Coding change: c.7010C>T on transcript NM_178822.5 (MANE Select); coding-DNA position 7010, C replaced by T.
Protein change: p.Pro2337Leu; replaces proline 2337 with leucine.
Molecular consequence: missense variant.
Genome position (GRCh38, 1-based): chr3:151,437,551, G>A on the plus strand (C>T on the coding strand, the complement: IGSF10 is on the minus strand). VCF-style: chr3-151437551-G-A. GRCh37 (hg19) VCF-style: chr3-151155339-G-A.
Other names: c.7010C>T, p.Pro2337Leu (NM_001385062.1, NM_001385063.1, NM_001385060.1 and 1 more transcripts); c.7010C>T (NM_178822.4); c.947C>T, p.Pro316Leu (NM_001178145.3, NM_001178146.3); short protein forms P316L, P2337L.
Identifiers: ClinVar variation 2715053 (VCV002715053.4), dbSNP rs183577798, ClinGen allele CA2669391.
Genomic context (GRCh38, chr3:151,437,551, plus strand): 5'-AATGCTGTGGACTTTCCCAGCTGGGCAACTATTTTTTCATTAAATGGATTTCTAAATGTC[G>A]GTCTTCTCAGCATTTCCAGTACTTCTAACTGTACTACCAACACGCTCTCTCCACCTTCAT-3'
Protein context (NP_849144.2, residues 2327-2347): QLEVLEMLRR[Pro2337Leu]TFRNPFNEKI